The following is an entry in ClinVar:

ClinVar aggregate classification (germline): Likely benign. Review status: criteria provided, multiple submitters, no conflicts (2 of 4 stars). 2 submissions from 2 submitters: Likely benign (2). Last evaluated 2025-07-22.

Conditions:
F8-related disorder. Also called: F8-related condition.

Allele frequency attached by ClinVar (database versions not stated): TOPMed 0.00002; gnomAD exomes 0.00003 and 0.00005; gnomAD 0.00005 and 0.00006; ExAC 0.00007.
gnomAD v4.1: 38 of 1,208,066 alleles (0.0031%); highest among the groups gnomAD compares: Non-Finnish European, 0.00067%; no homozygotes.

Submissions (2):

PreventionGenetics, part of Exact Sciences
Classification: Likely benign for F8-related condition. Last evaluated: 2025-07-22. Review status: criteria provided, single submitter. Criteria: ACMG Guidelines, 2015. Collection method: clinical testing. Allele origin: germline.
Comment: This variant is classified as likely benign based on ACMG/AMP sequence variant interpretation guidelines (Richards et al. 2015 PMID: 25741868, with internal and published modifications).

Labcorp Genetics (formerly Invitae), Labcorp
Classification: Likely benign. Last evaluated: 2018-10-29. Review status: criteria provided, single submitter. Criteria: Invitae Variant Classification Sherloc (09022015). Collection method: clinical testing. Allele origin: germline.

NM_000132.4(F8):c.5200C>T (p.Pro1734Ser)

Gene: F8 (coagulation factor VIII; minus strand). Cytogenetic location: Xq28.
Variant type: single nucleotide variant.
Coding change: c.5200C>T on transcript NM_000132.4 (MANE Select); coding-DNA position 5200, C replaced by T.
Protein change: p.Pro1734Ser; replaces proline 1734 with serine.
Molecular consequence: missense variant.
Genome position (GRCh38, 1-based): chrX:154,928,590, G>A on the plus strand (C>T on the coding strand, the complement: F8 is on the minus strand). VCF-style: chrX-154928590-G-A. GRCh37 (hg19) VCF-style: chrX-154156865-G-A.
Other names: short protein forms P1734S.
Identifiers: ClinVar variation 798170 (VCV000798170.7), dbSNP rs782324012, ClinGen allele CA10568029.